The following is an entry in ClinVar:

NM_000092.5(COL4A4):c.2717-5A>T

Gene: COL4A4 (collagen type IV alpha 4 chain; minus strand). Cytogenetic location: 2q36.3.
Variant type: single nucleotide variant.
Coding change: c.2717-5A>T on transcript NM_000092.5 (MANE Select); 5 bases into the intron before coding-DNA position 2717, A replaced by T.
Molecular consequence: intron variant.
Genome position (GRCh38, 1-based): chr2:227,054,742, T>A on the plus strand (A>T on the coding strand, the complement: COL4A4 is on the minus strand). VCF-style: chr2-227054742-T-A. GRCh37 (hg19) VCF-style: chr2-227919458-T-A.
Other names: p.?.
Identifiers: ClinVar variation 255024 (VCV000255024.59), dbSNP rs1800519, ClinGen allele CA2144732.

ClinVar aggregate classification (germline): Conflicting classifications of pathogenicity. Review status: criteria provided, conflicting classifications (1 of 4 stars). 15 submissions from 14 submitters: Uncertain significance (2); Benign (7); Likely benign (2). 4 of the submissions do not count toward it. Last evaluated 2026-09-01.

Conditions:
Benign familial hematuria. Also called: thin basement membrane disease. Identifiers: MedGen C0241908, MONDO:0957317.
Autosomal dominant Alport syndrome (ATS3A). Also called: Alport syndrome dominant type; Renal failure and sensorineural hearing loss; ALPORT SYNDROME 3A, AUTOSOMAL DOMINANT. Identifiers: Orphanet 63, Orphanet 88918, MedGen C5882663, MONDO:0007086, OMIM 104200.
Alport syndrome. Also called: Hemorrhagic familial nephritis; Hemorrhagic hereditary nephritis; Congenital hereditary hematuria. Identifiers: Orphanet 63, MedGen C1567741, MONDO:0018965.
Autosomal recessive Alport syndrome (ATS2). Also called: COL4A3-Related Nephropathy; Alport syndrome type 2; COL4A4 Alport Syndrome and Thin Basement Membrane Nephropathy; ALPORT SYNDROME 2, AUTOSOMAL RECESSIVE. Identifiers: Orphanet 63, Orphanet 88919, MedGen C4746745, MONDO:0008762, OMIM 203780.
Focal segmental glomerulosclerosis (FSGS). Also called: Glomerulosclerosis, focal; Focal sclerosis with hyalinosis. Identifiers: MedGen C0017668, MONDO:0100313, HP:0000097. Disease mechanism: loss of function.

Allele frequency attached by ClinVar (database versions not stated): 1000 Genomes Project 0.00519; 1000 Genomes Project 30x 0.00547; gnomAD exomes 0.01138 and 0.01519; gnomAD 0.01178 and 0.01182; TOPMed 0.01216; ExAC 0.01229; ESP Exome Variant Server 0.01464.
gnomAD v4.1: 23,962 of 1,613,524 alleles (1.5%); highest among the groups gnomAD compares: Middle Eastern, 3.7%; 248 homozygotes.

Submissions (15):

CeGaT Center for Human Genetics Tuebingen
Classification: Benign. Last evaluated: 2026-09-01. Review status: criteria provided, single submitter. Criteria: CeGaT Center For Human Genetics Tuebingen Variant Classification Criteria Version 2. Collection method: clinical testing. Allele origin: germline. Affected: yes. Observed: 30 variant alleles.
Comment: COL4A4: BP4, BS1, BS2

Labcorp Genetics (formerly Invitae), Labcorp
Classification: Benign. Last evaluated: 2026-02-04. Review status: criteria provided, single submitter. Criteria: Invitae Variant Classification Sherloc (09022015). Collection method: clinical testing. Allele origin: germline.

Blueprint Genetics
Classification: Likely benign. Last evaluated: 2024-11-26. Review status: criteria provided, single submitter. Criteria: ACMG Guidelines, 2015. Collection method: clinical testing. Allele origin: germline.

Mayo Clinic Laboratories, Mayo Clinic
Classification: Benign. Last evaluated: 2023-01-31. Review status: criteria provided, single submitter. Criteria: ACMG Guidelines, 2015. Collection method: clinical testing. Allele origin: germline. Observed: 11 variant alleles.
Comment: BS1, BS2, BP4, BP7

Genome Diagnostics Laboratory, The Hospital for Sick Children
Classification: Benign for Focal segmental glomerulosclerosis. Last evaluated: 2022-08-20. Review status: criteria provided, single submitter. Criteria: ACMG Guidelines, 2015. Collection method: clinical testing. Allele origin: germline.

Medical Genetics, University of Parma
Classification: Uncertain significance for Autosomal recessive Alport syndrome. Last evaluated: 2020-03-11. Review status: criteria provided, single submitter. Criteria: ACMG Guidelines, 2015. Collection method: clinical testing. Allele origin: germline. Affected: yes.

Medical Genetics, University of Parma
Classification: Uncertain significance for Autosomal dominant Alport syndrome; Hematuria, benign familial, 1. Last evaluated: 2020-03-11. Review status: criteria provided, single submitter. Criteria: ACMG Guidelines, 2015. Collection method: clinical testing. Allele origin: germline. Affected: yes.

Athena Diagnostics
Classification: Benign. Last evaluated: 2018-08-31. Review status: criteria provided, single submitter. Criteria: Athena Diagnostics Criteria. Collection method: clinical testing. Allele origin: germline.

GeneDx
Classification: Benign. Last evaluated: 2018-06-12. Review status: criteria provided, single submitter. Criteria: GeneDx Variant Classification Process June 2021. Collection method: clinical testing. Allele origin: germline. Affected: yes.
Comment: This variant is associated with the following publications: (PMID: 15618242)

Illumina Laboratory Services, Illumina
Classification: Likely benign for Alport syndrome. Last evaluated: 2018-01-13. Review status: criteria provided, single submitter. Criteria: ICSL Variant Classification Criteria 13 December 2019. Collection method: clinical testing. Allele origin: germline.
Comment: This variant was observed in the ICSL laboratory as part of a predisposition screen in an ostensibly healthy population. It had not been previously curated by ICSL or reported in the Human Gene Mutation Database (HGMD: prior to June 1st, 2018), and was therefore a candidate for classification through an automated scoring system. Utilizing variant allele frequency, disease prevalence and penetrance estimates, and inheritance mode, an automated score was calculated to assess if this variant is too frequent to cause the disease. Based on the score and internal cut-off values, a variant classified as likely benign is not then subjected to further curation. The score for this variant resulted in a classification of likely benign for this disease.

PreventionGenetics, part of Exact Sciences
Classification: Benign. Review status: criteria provided, single submitter. Criteria: ACMG Guidelines, 2015. Collection method: clinical testing. Allele origin: germline.

Natera, Inc.
Classification: Benign for Alport syndrome. Last evaluated: 2019-10-29. Review status: no assertion criteria provided. Collection method: clinical testing. Allele origin: germline. Not counted in ClinVar's aggregate classification.

Clinical Genetics DNA and cytogenetics Diagnostics Lab, Erasmus MC, Erasmus Medical Center
Classification: Likely benign. Review status: no assertion criteria provided. Collection method: clinical testing. Allele origin: germline. Affected: yes. Study: VKGL Data-share Consensus. Not counted in ClinVar's aggregate classification.

Genome Diagnostics Laboratory, University Medical Center Utrecht
Classification: Benign. Review status: no assertion criteria provided. Collection method: clinical testing. Allele origin: germline. Affected: yes. Study: VKGL Data-share Consensus. Not counted in ClinVar's aggregate classification.

Joint Genome Diagnostic Labs from Nijmegen and Maastricht, Radboudumc and MUMC+
Classification: Likely benign. Review status: no assertion criteria provided. Collection method: clinical testing. Allele origin: germline. Affected: yes. Study: VKGL Data-share Consensus. Not counted in ClinVar's aggregate classification.

Literature cited by the submitters: PubMed 33369211 (cited by Mayo Clinic Laboratories, Mayo Clinic); PubMed 15618242 (cited by Athena Diagnostics).